The following is an entry in ClinVar:

ClinVar aggregate classification (germline): Conflicting classifications of pathogenicity. Review status: criteria provided, conflicting classifications (1 of 4 stars). 15 submissions from 14 submitters: Uncertain significance (8); Likely benign (6). 1 of the submissions does not count toward it. Last evaluated 2026-09-01.

Conditions:
SETX-related disorder. Also called: SETX-related condition; SETX-related disorders. Identifiers: MedGen CN239403.
Inborn genetic diseases. Identifiers: MedGen C0950123, MeSH D030342.
Spinocerebellar ataxia, autosomal recessive, with axonal neuropathy 2 (SCAN2). Also called: ATAXIA-OCULOMOTOR APRAXIA 2; Ataxia-ocular apraxia-2; Ataxia with Oculomotor Apraxia; Ataxia with Oculomotor Apraxia Type 2. Identifiers: Orphanet 64753, MedGen C1853761, MONDO:0018996, OMIM 606002.
Amyotrophic lateral sclerosis type 4 (ALS4). Also called: AMYOTROPHIC LATERAL SCLEROSIS 4, JUVENILE; NEURONOPATHY, DISTAL HEREDITARY MOTOR, WITH PYRAMIDAL FEATURES. Identifiers: Orphanet 357043, MedGen C1865409, MONDO:0011223, OMIM 602433.
Hereditary spastic paraplegia. Also called: Familial spastic paraparesis. Identifiers: Orphanet 685, MedGen C0037773, MONDO:0019064. Disease mechanism: loss of function.

Allele frequency attached by ClinVar (database versions not stated): ExAC 0.00026; ESP Exome Variant Server 0.00031; TOPMed 0.00032; gnomAD 0.00038 and 0.00039; 1000 Genomes Project 0.00040; 1000 Genomes Project 30x 0.00047.
gnomAD v4.1: 1,491 of 1,614,082 alleles (0.092%); highest among the groups gnomAD compares: Non-Finnish European, 0.12%; 4 homozygotes.

Submissions (15):

CeGaT Center for Human Genetics Tuebingen
Classification: Likely benign. Last evaluated: 2026-09-01. Review status: criteria provided, single submitter. Criteria: CeGaT Center For Human Genetics Tuebingen Variant Classification Criteria Version 2. Collection method: clinical testing. Allele origin: germline. Affected: yes. Observed: 4 variant alleles.
Comment: SETX: BS2

GeneDx
Classification: Uncertain significance. Last evaluated: 2026-08-14. Review status: criteria provided, single submitter. Criteria: GeneDx Variant Classification Process June 2021. Collection method: clinical testing. Allele origin: germline.
Comment: Previously reported as a variant of uncertain significance in both individuals with amyotrophic lateral sclerosis and in controls (PMID: 32397312, 23881933, 36515702); In silico analysis suggests that this missense variant does not alter protein structure/function; This variant is associated with the following publications: (PMID: 23881933, 36515702, 32397312, 39999035, 27165006, 27487029)

Women's Health and Genetics/Laboratory Corporation of America, LabCorp
Classification: Uncertain significance. Last evaluated: 2026-02-17. Review status: criteria provided, single submitter. Criteria: LabCorp Variant Classification Summary - May 2015. Collection method: clinical testing. Allele origin: germline.
Comment: Variant summary: SETX c.654G>C (p.Lys218Asn) results in a non-conservative amino acid change in the encoded protein sequence. Algorithms developed to predict the effect of missense changes on protein structure and function are either unavailable or do not agree on the potential impact of this missense change. The variant allele was found at a frequency of 0.00031 in 251472 control chromosomes. This frequency is not significantly higher than estimated for disease-causing variants in SETX, allowing no conclusion about variant significance. c.654G>C has been observed in individuals affected with amyotrophic lateral sclerosis or motor neuron disease (2020). However, this variant has also been identified in normal control subjects (Leighton_2022). These report(s) do not provide unequivocal conclusions about association of the variant with Spinocerebellar ataxia, autosomal recessive, with axonal neuropathy 2. To our knowledge, no experimental evidence demonstrating an impact on protein function has been reported. The following publications have been ascertained in the context of this evaluation (PMID: 36515702, 32397312). ClinVar contains an entry for this variant (Variation ID: 448341). Based on the evidence outlined above, the variant was classified as uncertain significance.

Labcorp Genetics (formerly Invitae), Labcorp
Classification: Likely benign for Amyotrophic lateral sclerosis type 4; Spinocerebellar ataxia, autosomal recessive, with axonal neuropathy 2. Last evaluated: 2026-02-03. Review status: criteria provided, single submitter. Criteria: Invitae Variant Classification Sherloc (09022015). Collection method: clinical testing. Allele origin: germline.

Mayo Clinic Laboratories, Mayo Clinic
Classification: Likely benign. Last evaluated: 2025-07-02. Review status: criteria provided, single submitter. Criteria: ACMG Guidelines, 2015. Collection method: clinical testing. Allele origin: germline. Observed: 5 variant alleles.
Comment: BS1, BP4

Blueprint Genetics
Classification: Uncertain significance. Last evaluated: 2024-09-12. Review status: criteria provided, single submitter. Criteria: ACMG Guidelines, 2015. Collection method: clinical testing. Allele origin: germline.

Athena Diagnostics
Classification: Likely benign. Last evaluated: 2024-04-12. Review status: criteria provided, single submitter. Criteria: Athena Diagnostics Criteria. Collection method: clinical testing. Allele origin: unknown.

Ambry Genetics
Classification: Likely benign for Inborn genetic diseases. Last evaluated: 2024-01-02. Review status: criteria provided, single submitter. Criteria: Ambry Variant Classification Scheme 2023. Collection method: clinical testing. Allele origin: germline.

Department of Pathology and Laboratory Medicine, Sinai Health System
Classification: Uncertain significance for Amyotrophic lateral sclerosis type 4; Spinocerebellar ataxia, autosomal recessive, with axonal neuropathy 2. Last evaluated: 2020-08-31. Review status: criteria provided, single submitter. Criteria: ACMG Guidelines, 2015. Collection method: research. Allele origin: germline.

Revvity Omics, Revvity
Classification: Uncertain significance. Last evaluated: 2019-09-06. Review status: criteria provided, single submitter. Criteria: ACMG Guidelines, 2015. Collection method: clinical testing. Allele origin: germline.

Fulgent Genetics
Classification: Uncertain significance for Amyotrophic lateral sclerosis type 4; Spinocerebellar ataxia, autosomal recessive, with axonal neuropathy 2. Last evaluated: 2018-10-31. Review status: criteria provided, single submitter. Criteria: ACMG Guidelines, 2015. Collection method: clinical testing. Allele origin: unknown.

Illumina Laboratory Services, Illumina
Classification: Likely benign for Amyotrophic lateral sclerosis type 4. Last evaluated: 2018-01-13. Review status: criteria provided, single submitter. Criteria: ICSL Variant Classification Criteria 13 December 2019. Collection method: clinical testing. Allele origin: germline.
Comment: This variant was observed in the ICSL laboratory as part of a predisposition screen in an ostensibly healthy population. It had not been previously curated by ICSL or reported in the Human Gene Mutation Database (HGMD: prior to June 1st, 2018), and was therefore a candidate for classification through an automated scoring system. Utilizing variant allele frequency, disease prevalence and penetrance estimates, and inheritance mode, an automated score was calculated to assess if this variant is too frequent to cause the disease. Based on the score and internal cut-off values, a variant classified as likely benign is not then subjected to further curation. The score for this variant resulted in a classification of likely benign for this disease.

Illumina Laboratory Services, Illumina
Classification: Uncertain significance for Spinocerebellar ataxia, autosomal recessive, with axonal neuropathy 2. Last evaluated: 2018-01-13. Review status: criteria provided, single submitter. Criteria: ICSL Variant Classification Criteria 13 December 2019. Collection method: clinical testing. Allele origin: germline.

Genome Diagnostics Laboratory, The Hospital for Sick Children
Classification: Uncertain significance for Hereditary spastic paraplegia. Last evaluated: 2017-04-24. Review status: criteria provided, single submitter. Criteria: ACMG Guidelines, 2015. Collection method: clinical testing. Allele origin: germline. Affected: yes.

PreventionGenetics, part of Exact Sciences
Classification: Uncertain significance for SETX-related condition. Last evaluated: 2023-12-24. Review status: no assertion criteria provided. Collection method: clinical testing. Allele origin: germline. Not counted in ClinVar's aggregate classification.
Comment: The SETX c.654G>C variant is predicted to result in the amino acid substitution p.Lys218Asn. This variant was reported in two studies of an ALS case-control analysis; however, no clinical or functional information was provided (Table S2, Kenna et al. 2013. PubMed ID: 23881933; Patient ALS_56, Scarlino et al. 2020. PubMed ID: 32397312). This variant was also reported in a patient with a history of right leg weakness, foot drop, and abnormal gait. Additionally, this variant was reported in one affected individual and three controls in a study of long survivors with motor neuron disease (Leighton et al. 2023. PubMed ID: 36515702). This variant is reported in 0.064% of alleles in individuals of European (Non-Finnish) descent in gnomAD, which may be too common to be a primary cause of disease. Although we suspect that this variant may be benign, at this time, the clinical significance of this variant is uncertain due to the absence of conclusive functional and genetic evidence.

Literature cited by the submitters: PubMed 32397312 (cited by 3 submitters); PubMed 36515702 (cited by 3 submitters); PubMed 23881933 (cited by Mayo Clinic Laboratories, Mayo Clinic and Athena Diagnostics); PubMed 27165006 (cited by Mayo Clinic Laboratories, Mayo Clinic and Athena Diagnostics); PubMed 27487029 (cited by Athena Diagnostics).

NM_015046.7(SETX):c.654G>C (p.Lys218Asn)

Gene: SETX (senataxin; minus strand). Cytogenetic location: 9q34.13.
Variant type: single nucleotide variant.
Coding change: c.654G>C on transcript NM_015046.7 (MANE Select); coding-DNA position 654, G replaced by C.
Protein change: p.Lys218Asn; replaces lysine 218 with asparagine.
Molecular consequence: missense variant.
Genome position (GRCh38, 1-based): chr9:132,336,360, C>G on the plus strand (G>C on the coding strand, the complement: SETX is on the minus strand). VCF-style: chr9-132336360-C-G. GRCh37 (hg19) VCF-style: chr9-135211747-C-G.
Other names: c.654G>C, p.Lys218Asn (NM_001351527.2, NM_001351528.2); short protein forms K218N.
Identifiers: ClinVar variation 448341 (VCV000448341.75), dbSNP rs117861188, ClinGen allele CA5297991.
Genomic context (GRCh38, chr9:132,336,360, plus strand): 5'-CCAATAGCTTTTGTAGTTGGTAGTATCATACATGTGTGAGGGCAGAAGAATCAGTTTACC[C>G]TTCTCTAGGACAGAAGAAGTATAAATGTCTGGACTCTCTAAAAGCCCCAACTCAATGACT-3'
Protein context (NP_055861.3, residues 208-228): PDIYTSSVLE[Lys218Asn]GKLILLPSHM